The following is an entry in ClinVar:

NM_001034853.2(RPGR):c.2389_2452dup (p.Glu818fs)

Gene: RPGR (retinitis pigmentosa GTPase regulator; minus strand). Cytogenetic location: Xp11.4.
Variant type: Duplication.
Coding change: c.2389_2452dup on transcript NM_001034853.2 (MANE Select); coding-DNA positions 2389 to 2452, 64 bases duplicated.
Protein change: p.Glu818fs; shifts the reading frame from glutamic acid 818.
Molecular consequence: frameshift variant. On other transcripts: intron variant (8).
Genome position (GRCh38, 1-based): chrX:38,286,547-38,286,610, 64 bases duplicated. GRCh37 (hg19): chrX:38,145,806-38,145,869.
Other names: c.1569+4349_1569+4412dup (NM_001367249.1, NM_001367250.1); c.1902+484_1902+547dup (NM_001367245.1); c.1386+4349_1386+4412dup (NM_001367251.1); c.1719+484_1719+547dup (NM_001367246.1); c.1572+4349_1572+4412dup (NM_001367247.1); c.1905+484_1905+547dup (NM_000328.3); c.1602+4349_1602+4412dup (NM_001367248.1); short protein forms E818fs.
Identifiers: ClinVar variation 3776128 (VCV003776128.1).

ClinVar aggregate classification (germline): Likely pathogenic (1 of 4 stars; one submission).

Conditions:
Retinitis pigmentosa 3. Also called: CHOROIDORETINAL DEGENERATION WITH RETINAL REFLEX IN HETEROZYGOUS WOMEN. Identifiers: Orphanet 791, MedGen C1845667, MONDO:0010227, OMIM 300029.

Submission:

3billion
Classification: Likely pathogenic for Retinitis pigmentosa 3. Last evaluated: 2023-10-17. Review status: criteria provided, single submitter. Criteria: ACMG Guidelines, 2015. Collection method: clinical testing. Allele origin: germline. Affected: yes.
Comment: The variant is not observed in the gnomAD v2.1.1 dataset. Predicted Consequence/Location: Frameshift: predicted to result in a loss or disruption of normal protein function through protein truncation. The predicted truncated protein may be shortened by more than 10%. Therefore, this variant is classified as Likely pathogenic according to the recommendation of ACMG/AMP guideline.